The following is an entry in ClinVar:

NM_018116.4(MSTO1):c.814-4C>T

Gene: MSTO1 (misato mitochondrial distribution and morphology regulator 1; plus strand). Cytogenetic location: 1q22.
Variant type: single nucleotide variant.
Coding change: c.814-4C>T on transcript NM_018116.4 (MANE Select); 4 bases into the intron before coding-DNA position 814, C replaced by T.
Molecular consequence: intron variant.
Genome position (GRCh38, 1-based): chr1:155,612,414, C>T. VCF-style: chr1-155612414-C-T. GRCh37 (hg19) VCF-style: chr1-155582205-C-T.
Other names: c.283-4C>T (NM_001350779.1, NM_001350778.1, NM_001350777.1); c.271-4C>T (NM_001350784.1, NM_001350785.1, NM_001350789.1 and 1 more transcripts); c.280-4C>T (NM_001350781.1, NM_001350786.1, NM_001350788.1 and 3 more transcripts); c.649-4C>T (NM_001350776.1); c.814-4C>T (NM_001350773.1, NM_001350774.1, NM_001350775.1 and 4 more transcripts).
Identifiers: ClinVar variation 2101017 (VCV002101017.6), dbSNP rs1319550733, ClinGen allele CA526669643.

ClinVar aggregate classification (germline): Likely benign. Review status: criteria provided, single submitter (1 of 4 stars). 2 submissions from 2 submitters: Likely benign (1). 1 of the submissions does not count toward it. Last evaluated 2022-02-21.

Conditions:
MSTO1-related disorder. Also called: MSTO1‑Related Disease.

Allele frequency attached by ClinVar (database versions not stated): gnomAD 0.00001; TOPMed 0.00001.
gnomAD v4.1: 1 of 1,609,028 alleles (0.000062%); highest among the groups gnomAD compares: African/African-American, 0.0013%; no homozygotes.

Submissions (2):

Labcorp Genetics (formerly Invitae), Labcorp
Classification: Likely benign. Last evaluated: 2022-02-21. Review status: criteria provided, single submitter. Criteria: Invitae Variant Classification Sherloc (09022015). Collection method: clinical testing. Allele origin: germline.

PreventionGenetics, part of Exact Sciences
Classification: Likely benign for MSTO1-related condition. Last evaluated: 2021-09-03. Review status: no assertion criteria provided. Collection method: clinical testing. Allele origin: germline. Not counted in ClinVar's aggregate classification.
Comment: This variant is classified as likely benign based on ACMG/AMP sequence variant interpretation guidelines (Richards et al. 2015 PMID: 25741868, with internal and published modifications).